The following is an entry in ClinVar:

NM_000051.4(ATM):c.7665delinsGTGA (p.His2555delinsGlnTer)

Genes: ATM (ATM serine/threonine kinase; plus strand), C11orf65 (chromosome 11 open reading frame 65; minus strand). Cytogenetic location: 11q22.3.
Variant type: Indel.
Coding change: c.7665delinsGTGA on transcript NM_000051.4 (MANE Select); coding-DNA position 7665, C replaced by GTGA.
Protein change: p.His2555delinsGlnTer.
Molecular consequence: nonsense. On other transcripts: intron variant (2).
Genome position (GRCh38, 1-based): chr11:108,331,914, C replaced by GTGA. VCF-style: chr11-108331914-C-GTGA. GRCh37 (hg19) VCF-style: chr11-108202641-C-GTGA.
Other names: c.7665delinsGTGA, p.His2555delinsGlnTer (NM_001351834.2); c.641-22843delinsTCAC (NM_001330368.2); c.*38+3306delinsTCAC (NM_001351110.2).
Identifiers: ClinVar variation 453697 (VCV000453697.16), dbSNP rs1555124503, ClinGen allele CA658656297.

ClinVar aggregate classification (germline): Pathogenic. Review status: criteria provided, multiple submitters, no conflicts (2 of 4 stars). 6 submissions from 6 submitters: Pathogenic (6). Last evaluated 2025-05-13.

Conditions:
Hereditary cancer-predisposing syndrome. Also called: Neoplastic Syndromes, Hereditary; Hereditary Cancer Syndrome; Tumor predisposition; Hereditary neoplastic syndrome. Identifiers: Orphanet 140162, MedGen C0027672, MeSH D009386, MONDO:0015356.
Familial cancer of breast. Also called: Hereditary breast cancer; BREAST CANCER, FAMILIAL; hereditary breast carcinoma. Identifiers: Orphanet 227535, MedGen C0346153, MONDO:0016419, OMIM 114480. Disease mechanism: loss of function.
Ataxia-telangiectasia syndrome (AT). Also called: LOUIS-BAR SYNDROME; Cerebello-oculocutaneous telangiectasia; Immunodeficiency with ataxia telangiectasia; Ataxia-telangiectasia, complementation group D; AT, COMPLEMENTATION GROUP C; Ataxia-telangiectasia, complementation group E. Identifiers: Orphanet 100, MedGen C0004135, MONDO:0008840, OMIM 208900.

Submissions (6):

Labcorp Genetics (formerly Invitae), Labcorp
Classification: Pathogenic for Ataxia-telangiectasia syndrome. Last evaluated: 2025-05-13. Review status: criteria provided, single submitter. Criteria: Invitae Variant Classification Sherloc (09022015). Collection method: clinical testing. Allele origin: germline.
Comment: This sequence change creates a premature translational stop signal (p.His2555_Thr2556delinsGln*) in the ATM gene. It is expected to result in an absent or disrupted protein product. Loss-of-function variants in ATM are known to be pathogenic (PMID: 23807571, 25614872). Information on the frequency of this variant in the gnomAD database is not available, as this variant may be reported differently in the database. This premature translational stop signal has been observed in individual(s) with ataxia-telangiectasia (PMID: 22146522). For these reasons, this variant has been classified as Pathogenic.

Ambry Genetics
Classification: Pathogenic for Hereditary cancer-predisposing syndrome. Last evaluated: 2025-03-24. Review status: criteria provided, single submitter. Criteria: Ambry Variant Classification Scheme 2023. Collection method: clinical testing. Allele origin: germline.
Comment: The c.7665delCinsGTGA pathogenic mutation, located in coding exon 51 of the ATM gene, results from an in-frame deletion of C and insertion of GTGA at nucleotide position 7665 and creates an alternate stop codon within coding exon 51 (p.H2555delinsQ*). This alteration has been detected in conjunction with another pathogenic mutation in one individual diagnosed with ataxia-telangiectasia (Schon K et al. Ann Neurol, 2019 02;85:170-180). This variant is considered to be rare based on population cohorts in the Genome Aggregation Database (gnomAD). In addition to the clinical data presented in the literature, this alteration is expected to result in loss of function by premature protein truncation or nonsense-mediated mRNA decay. As such, this alteration is interpreted as a disease-causing mutation.

Quest Diagnostics Nichols Institute San Juan Capistrano
Classification: Pathogenic. Last evaluated: 2024-07-25. Review status: criteria provided, single submitter. Criteria: Quest Diagnostics criteria. Collection method: clinical testing. Allele origin: unknown.
Comment: The ATM c.7665delinsGTGA (p.His2555delinsGln*) variant alters the translational reading frame of the ATM mRNA and causes the premature termination of ATM protein synthesis. This variant has been reported in the published literature in individuals with ataxia-telangiectasia (PMID: ataxia-telangiectasia (20119)), melanoma (PMID: 33077847 (2020)), and breast cancer (PMID: 33471991 (2021), see also LOVD). This variant has not been reported in large, multi-ethnic general populations (Genome Aggregation Database). Based on the available information, this variant is classified as pathogenic.

Myriad Genetics, Inc.
Classification: Pathogenic for Familial cancer of breast. Last evaluated: 2024-01-31. Review status: criteria provided, single submitter. Criteria: Myriad Autosomal Dominant, Autosomal Recessive and X-Linked Classification Criteria (2023). Collection method: clinical testing. Allele origin: unknown.
Comment: This variant is considered pathogenic. This variant creates a termination codon and is predicted to result in premature protein truncation.

GeneDx
Classification: Pathogenic. Last evaluated: 2023-12-29. Review status: criteria provided, single submitter. Criteria: GeneDx Variant Classification Process June 2021. Collection method: clinical testing. Allele origin: germline. Affected: yes.
Comment: Nonsense variant predicted to result in protein truncation or nonsense mediated decay in a gene for which loss of function is a known mechanism of disease; Identified in a patient with melanoma (PMID: 33077847); Truncating variants in this gene are considered pathogenic by a well-established clinical consortium and/or database; Not observed at significant frequency in large population cohorts (gnomAD); This variant is associated with the following publications: (PMID: 33077847, 30549301, 22146522)

Baylor Genetics
Classification: Pathogenic for Familial cancer of breast. Last evaluated: 2022-11-23. Review status: criteria provided, single submitter. Criteria: ACMG Guidelines, 2015. Collection method: clinical testing. Allele origin: unknown.

Literature cited by the submitters: PubMed 23807571 (cited by Labcorp Genetics (formerly Invitae), Labcorp); PubMed 25614872 (cited by Labcorp Genetics (formerly Invitae), Labcorp); PubMed 22146522 (cited by Labcorp Genetics (formerly Invitae), Labcorp); PubMed 30549301 (cited by Ambry Genetics and Quest Diagnostics Nichols Institute San Juan Capistrano); PubMed 33077847 (cited by Quest Diagnostics Nichols Institute San Juan Capistrano); PubMed 33471991 (cited by Quest Diagnostics Nichols Institute San Juan Capistrano).